The following is an entry in ClinVar:

ClinVar aggregate classification (germline): Uncertain significance (1 of 4 stars; one submission).

Allele frequency attached by ClinVar (database versions not stated): TOPMed below 0.00001.

Submission:

Labcorp Genetics (formerly Invitae), Labcorp
Classification: Uncertain significance. Last evaluated: 2024-02-23. Review status: criteria provided, single submitter. Criteria: Invitae Variant Classification Sherloc (09022015). Collection method: clinical testing. Allele origin: germline.
Comment: This sequence change replaces serine, which is neutral and polar, with glycine, which is neutral and non-polar, at codon 220 of the TYMP protein (p.Ser220Gly). This variant is not present in population databases (gnomAD no frequency). This variant has not been reported in the literature in individuals affected with TYMP-related conditions. ClinVar contains an entry for this variant (Variation ID: 1966726). Algorithms developed to predict the effect of missense changes on protein structure and function output the following: SIFT: "Not Available"; PolyPhen-2: "Possibly Damaging"; Align-GVGD: "Not Available". The glycine amino acid residue is found in multiple mammalian species, which suggests that this missense change does not adversely affect protein function. In summary, the available evidence is currently insufficient to determine the role of this variant in disease. Therefore, it has been classified as a Variant of Uncertain Significance.

NM_001953.5(TYMP):c.658A>G (p.Ser220Gly)

Gene: TYMP (thymidine phosphorylase; minus strand). Cytogenetic location: 22q13.33.
Variant type: single nucleotide variant.
Coding change: c.658A>G on transcript NM_001953.5 (MANE Select); coding-DNA position 658, A replaced by G.
Protein change: p.Ser220Gly; replaces serine 220 with glycine.
Molecular consequence: missense variant.
Genome position (GRCh38, 1-based): chr22:50,527,272, T>C on the plus strand (A>G on the coding strand, the complement: TYMP is on the minus strand). VCF-style: chr22-50527272-T-C. GRCh37 (hg19) VCF-style: chr22-50965701-T-C.
Other names: c.658A>G, p.Ser220Gly (NM_001113755.3, NM_001113756.3, NM_001257988.1 and 1 more transcripts); short protein forms S220G.
Identifiers: ClinVar variation 1966726 (VCV001966726.5), dbSNP rs2069425025, ClinGen allele CA412200909.